The following is an entry in ClinVar:

NM_001098.3(ACO2):c.2182G>A (p.Gly728Ser)

Genes: ACO2 (aconitase 2; plus strand), POLR3H (RNA polymerase III subunit H; minus strand). Cytogenetic location: 22q13.2.
Variant type: single nucleotide variant.
Coding change: c.2182G>A on transcript NM_001098.3 (MANE Select); coding-DNA position 2182, G replaced by A.
Protein change: p.Gly728Ser; replaces glycine 728 with serine.
Molecular consequence: missense variant. On other transcripts: 3 prime UTR variant (5).
Genome position (GRCh38, 1-based): chr22:41,527,996, G>A. VCF-style: chr22-41527996-G-A. GRCh37 (hg19) VCF-style: chr22-41924000-G-A.
Other names: c.*1287C>T (NM_001282885.2, NM_138338.5, NM_001018050.4 and 2 more transcripts); short protein forms G728S.
Identifiers: ClinVar variation 3642953 (VCV003642953.2).

ClinVar aggregate classification (germline): Uncertain significance (1 of 4 stars; one submission).

Submission:

Labcorp Genetics (formerly Invitae), Labcorp
Classification: Uncertain significance. Last evaluated: 2025-02-25. Review status: criteria provided, single submitter. Criteria: Invitae Variant Classification Sherloc (09022015). Collection method: clinical testing. Allele origin: germline.
Comment: This sequence change replaces glycine, which is neutral and non-polar, with serine, which is neutral and polar, at codon 728 of the ACO2 protein (p.Gly728Ser). This variant is not present in population databases (gnomAD no frequency). This variant has not been reported in the literature in individuals affected with ACO2-related conditions. Invitae Evidence Modeling of protein sequence and biophysical properties (such as structural, functional, and spatial information, amino acid conservation, physicochemical variation, residue mobility, and thermodynamic stability) indicates that this missense variant is not expected to disrupt ACO2 protein function with a negative predictive value of 80%. In summary, the available evidence is currently insufficient to determine the role of this variant in disease. Therefore, it has been classified as a Variant of Uncertain Significance.